The following is an entry in ClinVar:

ClinVar aggregate classification (germline): Uncertain significance. Review status: criteria provided, multiple submitters, no conflicts (2 of 4 stars). 2 submissions from 2 submitters: Uncertain significance (2). Last evaluated 2022-08-16.

Conditions:
Cardiovascular phenotype. Identifiers: MedGen CN230736.
Arrhythmogenic right ventricular dysplasia 10. Also called: Arrhythmogenic Right Ventricular Dysplasia/Cardiomyopathy10; Arrhythmogenic right ventricular dysplasia/cardiomyopathy, type 10; ARRHYTHMOGENIC RIGHT VENTRICULAR DYSPLASIA, FAMILIAL, 10. Identifiers: MedGen C1857777, MONDO:0012434, OMIM 610193.

Allele frequency attached by ClinVar (database versions not stated): gnomAD exomes below 0.00001.

Submissions (2):

Labcorp Genetics (formerly Invitae), Labcorp
Classification: Uncertain significance for Arrhythmogenic right ventricular dysplasia 10. Last evaluated: 2022-08-16. Review status: criteria provided, single submitter. Criteria: Invitae Variant Classification Sherloc (09022015). Collection method: clinical testing. Allele origin: germline.
Comment: This sequence change replaces glutamic acid, which is acidic and polar, with glycine, which is neutral and non-polar, at codon 511 of the DSG2 protein (p.Glu511Gly). In summary, the available evidence is currently insufficient to determine the role of this variant in disease. Therefore, it has been classified as a Variant of Uncertain Significance. Algorithms developed to predict the effect of sequence changes on RNA splicing suggest that this variant may create or strengthen a splice site. Algorithms developed to predict the effect of missense changes on protein structure and function (SIFT, PolyPhen-2, Align-GVGD) all suggest that this variant is likely to be tolerated. ClinVar contains an entry for this variant (Variation ID: 1024801). This variant has not been reported in the literature in individuals affected with DSG2-related conditions. This variant is present in population databases (no rsID available, gnomAD 0.006%).

Ambry Genetics
Classification: Uncertain significance for Cardiovascular phenotype. Last evaluated: 2020-08-06. Review status: criteria provided, single submitter. Criteria: Ambry Variant Classification Scheme 2023. Collection method: clinical testing. Allele origin: germline.
Comment: The p.E511G variant (also known as c.1532A>G), located in coding exon 11 of the DSG2 gene, results from an A to G substitution at nucleotide position 1532. The glutamic acid at codon 511 is replaced by glycine, an amino acid with similar properties. This amino acid position is poorly conserved in available vertebrate species. In addition, this alteration is predicted to be tolerated by in silico analysis. Since supporting evidence is limited at this time, the clinical significance of this alteration remains unclear.

NM_001943.5(DSG2):c.1532A>G (p.Glu511Gly)

Gene: DSG2 (desmoglein 2; plus strand). Cytogenetic location: 18q12.1.
Variant type: single nucleotide variant.
Coding change: c.1532A>G on transcript NM_001943.5 (MANE Select); coding-DNA position 1532, A replaced by G.
Protein change: p.Glu511Gly; replaces glutamic acid 511 with glycine.
Molecular consequence: missense variant.
Genome position (GRCh38, 1-based): chr18:31,536,310, A>G. VCF-style: chr18-31536310-A-G. GRCh37 (hg19) VCF-style: chr18-29116273-A-G.
Other names: short protein forms E511G.
Identifiers: ClinVar variation 1024801 (VCV001024801.10), dbSNP rs1416039056, ClinGen allele CA402141669.